The following is an entry in ClinVar:

ClinVar aggregate classification (germline): Uncertain significance (1 of 4 stars; one submission).

Conditions:
Inborn genetic diseases. Identifiers: MedGen C0950123, MeSH D030342.

Submission:

Ambry Genetics
Classification: Uncertain significance for Inborn genetic diseases. Last evaluated: 2025-02-03. Review status: criteria provided, single submitter. Criteria: Ambry Variant Classification Scheme 2023. Collection method: clinical testing. Allele origin: germline.
Comment: The c.640C>G (p.L214V) alteration is located in exon 8 (coding exon 8) of the MORC2 gene. This alteration results from a C to G substitution at nucleotide position 640, causing the leucine (L) at amino acid position 214 to be replaced by a valine (V). This variant was not reported in population-based cohorts in the Genome Aggregation Database (gnomAD). This amino acid position is highly conserved in available vertebrate species. The in silico prediction for this alteration is inconclusive. Based on insufficient or conflicting evidence, the clinical significance of this alteration remains unclear.

NM_001303256.3(MORC2):c.640C>G (p.Leu214Val)

Gene: MORC2 (MORC family CW-type zinc finger 2; minus strand). Cytogenetic location: 22q12.2.
Variant type: single nucleotide variant.
Coding change: c.640C>G on transcript NM_001303256.3 (MANE Select); coding-DNA position 640, C replaced by G.
Protein change: p.Leu214Val; replaces leucine 214 with valine.
Molecular consequence: missense variant.
Genome position (GRCh38, 1-based): chr22:30,941,949, G>C on the plus strand (C>G on the coding strand, the complement: MORC2 is on the minus strand). VCF-style: chr22-30941949-G-C. GRCh37 (hg19) VCF-style: chr22-31337936-G-C.
Other names: c.640C>G, p.Leu214Val (NM_001303257.2); c.454C>G, p.Leu152Val (NM_014941.3); short protein forms L152V, L214V.
Identifiers: ClinVar variation 3874022 (VCV003874022.1).